The following is an entry in ClinVar:

NM_001374828.1(ARID1B):c.4689del (p.His1564fs)

Gene: ARID1B (AT-rich interaction domain 1B; plus strand). Cytogenetic location: 6q25.3.
Variant type: Deletion.
Coding change: c.4689del on transcript NM_001374828.1 (MANE Select); coding-DNA position 4689, one base deleted (A; older notation c.4689delA).
Protein change: p.His1564fs; shifts the reading frame from histidine 1564.
Molecular consequence: frameshift variant.
Genome position (GRCh38, 1-based): chr6:157,200,914, A deleted. VCF-style (leftmost placement, unchanged base first): chr6-157200913-CA-C. GRCh37 (hg19) VCF-style: chr6-157522047-CA-C.
Other names: c.4440delA, p.His1481Thrfs (NM_001346813.1); c.2190del, p.His731fs (NM_001363725.2); c.4569del, p.His1524fs (NM_001371656.1, NM_001374820.1); c.4530del, p.His1511fs (NM_017519.3); c.4320delA, p.His1441Thrfs (NM_020732.3); c.4107delA, p.His1370Thrfs (NM_175863.2); short protein forms H1524fs, H1564fs, H1511fs, H731fs.
Identifiers: ClinVar variation 2249989 (VCV002249989.2), dbSNP rs2538675310, ClinGen allele CA2580075312.
Genomic context (GRCh38, chr6:157,200,913, plus strand): 5'-AGGGCCAGTACCCGTATCCCTACAGCAGGGAGAGGATGCAGGGCCCGGGGCAGATCCAGA[CA>C]CACGGAATCCCGCCTCAGATGATGGGCGGCCCGCTGCAGTCGTCCTCCAGTGAGGGGCCT-3'

ClinVar aggregate classification (germline): Pathogenic (1 of 4 stars; one submission).

Conditions:
Inborn genetic diseases. Identifiers: MedGen C0950123, MeSH D030342.

Submission:

Ambry Genetics
Classification: Pathogenic for Inborn genetic diseases. Last evaluated: 2021-10-12. Review status: criteria provided, single submitter. Criteria: Ambry Variant Classification Scheme 2023. Collection method: clinical testing. Allele origin: germline.
Comment: The c.4320delA (p.H1441Tfs*7) alteration, located in exon 18 (coding exon 18) of the ARID1B gene, consists of a deletion of one nucleotide at position 4320, causing a translational frameshift with a predicted alternate stop codon after 7 amino acids. This alteration is expected to result in loss of function by premature protein truncation or nonsense-mediated mRNA decay. This variant was not reported in population-based cohorts in the Genome Aggregation Database (gnomAD). Based on the available evidence, this alteration is classified as pathogenic.